The following is an entry in ClinVar:

NM_006914.4(RORB):c.1297T>A (p.Ser433Thr)

Genes: RORB (RAR related orphan receptor B; plus strand), LOC124310566 (Sharpr-MPRA regulatory region 9792; plus strand). Cytogenetic location: 9q21.13.
Variant type: single nucleotide variant.
Coding change: c.1297T>A on transcript NM_006914.4 (MANE Select); coding-DNA position 1297, T replaced by A.
Protein change: p.Ser433Thr; replaces serine 433 with threonine.
Molecular consequence: missense variant.
Genome position (GRCh38, 1-based): chr9:74,685,535, T>A. VCF-style: chr9-74685535-T-A. GRCh37 (hg19) VCF-style: chr9-77300451-T-A.
Other names: c.1330T>A, p.Ser444Thr (NM_001365023.1); short protein forms S444T, S433T.
Identifiers: ClinVar variation 1995833 (VCV001995833.4), dbSNP rs2489679585, ClinGen allele CA373772582.

ClinVar aggregate classification (germline): Uncertain significance (1 of 4 stars; one submission).

Submission:

Labcorp Genetics (formerly Invitae), Labcorp
Classification: Uncertain significance. Last evaluated: 2022-08-02. Review status: criteria provided, single submitter. Criteria: Invitae Variant Classification Sherloc (09022015). Collection method: clinical testing. Allele origin: germline.
Comment: Algorithms developed to predict the effect of missense changes on protein structure and function (SIFT, PolyPhen-2, Align-GVGD) all suggest that this variant is likely to be tolerated. In summary, the available evidence is currently insufficient to determine the role of this variant in disease. Therefore, it has been classified as a Variant of Uncertain Significance. This variant has not been reported in the literature in individuals affected with RORB-related conditions. This variant is not present in population databases (gnomAD no frequency). This sequence change replaces serine, which is neutral and polar, with threonine, which is neutral and polar, at codon 433 of the RORB protein (p.Ser433Thr).